The following is an entry in ClinVar:

ClinVar aggregate classification (germline): Uncertain significance. Review status: criteria provided, multiple submitters, no conflicts (2 of 4 stars). 3 submissions from 3 submitters: Uncertain significance (2). 1 of the submissions does not count toward it. Last evaluated 2024-04-09.

Conditions:
Cystic fibrosis (CF). Also called: MUCOVISCIDOSIS. Identifiers: Orphanet 586, MedGen C0010674, MONDO:0009061, OMIM 219700. Disease mechanism: loss of function.

Allele frequency attached by ClinVar (database versions not stated): gnomAD exomes below 0.00001; gnomAD 0.00001; TOPMed 0.00002; ExAC 0.00001.

Submissions (3):

ARUP Laboratories, Molecular Genetics and Genomics, ARUP Laboratories
Classification: Uncertain significance. Last evaluated: 2024-04-09. Review status: criteria provided, single submitter. Criteria: ARUP Molecular Germline Variant Investigation Process 2024. Collection method: clinical testing. Allele origin: germline.
Comment: The CFTR c.721G>A; p.Gly241Arg variant (rs397508789, ClinVar variation ID: 54047) is reported in the literature in cystic fibrosis cohorts, however specifics were not provided (Le Marechal 2001, Claustres 2000) and in two infants with recurrent pneumonia suspected of cystic fibrosis who each had a second variant but the phase of the variants is unknown (Sasihuseyinoglu 2019). This variant is only observed on one allele in the Genome Aggregation Database (v2.1.1), indicating it is not a common polymorphism. Computational analyses predict that this variant is deleterious (REVEL: 0.801). Due to limited information, the clinical significance of this variant is uncertain at this time. References: Claustres M et al. Spectrum of CFTR mutations in cystic fibrosis and in congenital absence of the vas deferens in France. Hum Mutat. 2000;16(2):143-56. PMID: 10923036. Le Marechal C et al. Complete and rapid scanning of the cystic fibrosis transmembrane conductance regulator (CFTR) gene by denaturing high-performance liquid chromatography (D-HPLC): major implications for genetic counselling. Hum Genet. 2001 Apr;108(4):290-8. PMID: 11379874. Sasihuseyinoglu AS et al. Two years of newborn screening for cystic fibrosis in Turkey: Ã‡ukurova experience. Turk J Pediatr. 2019;61(4):505-512. PMID: 31990467.

Women's Health and Genetics/Laboratory Corporation of America, LabCorp
Classification: Uncertain significance. Last evaluated: 2023-06-15. Review status: criteria provided, single submitter. Criteria: LabCorp Variant Classification Summary - May 2015. Collection method: clinical testing. Allele origin: germline.
Comment: Variant summary: CFTR c.721G>A (p.Gly241Arg) results in a non-conservative amino acid change located in the transmembrane domain (IPR011527) of the encoded protein sequence. Five of five in-silico tools predict a damaging effect of the variant on protein function. The variant allele was found at a frequency of 4e-06 in 251394 control chromosomes. The available data on variant occurrences in the general population are insufficient to allow any conclusion about variant significance. c.721G>A has been reported in the literature in individuals affected with Cystic Fibrosis (e.g., Claustres_2000, LeMarechal_2001, Sasihuiseyinoglu_2019). These data indicate that the variant may be associated with disease. One publication reports experimental evidence evaluating an impact on protein function, however, does not allow convincing conclusions about the variant effect (e.g., Wehbi_2007). The following publications have been ascertained in the context of this evaluation (PMID: 11504857, 10923036, 11379874, 31990467, 17516627). No clinical diagnostic laboratories have submitted clinical-significance assessments for this variant to ClinVar after 2014. Based on the evidence outlined above, the variant was classified as VUS-possibly pathogenic.

ClinVar Staff, National Center for Biotechnology Information (NCBI)
No classification provided. Condition: CFTR-related disorders. Review status: no classification provided. Collection method: literature only. Allele origin: germline. Affected: yes. Not counted in ClinVar's aggregate classification.

Literature cited by the submitters: PubMed 10923036 (cited by Women's Health and Genetics/Laboratory Corporation of America, LabCorp); PubMed 11379874 (cited by Women's Health and Genetics/Laboratory Corporation of America, LabCorp and ClinVar Staff, National Center for Biotechnology Information (NCBI)); PubMed 11504857 (cited by Women's Health and Genetics/Laboratory Corporation of America, LabCorp); PubMed 17516627 (cited by Women's Health and Genetics/Laboratory Corporation of America, LabCorp); PubMed 31990467 (cited by Women's Health and Genetics/Laboratory Corporation of America, LabCorp).

NM_000492.4(CFTR):c.721G>A (p.Gly241Arg)

Gene: CFTR (CF transmembrane conductance regulator; plus strand). Cytogenetic location: 7q31.2.
Variant type: single nucleotide variant.
Coding change: c.721G>A on transcript NM_000492.4 (MANE Select); coding-DNA position 721, G replaced by A.
Protein change: p.Gly241Arg; replaces glycine 241 with arginine.
Molecular consequence: missense variant.
Genome position (GRCh38, 1-based): chr7:117,535,389, G>A. VCF-style: chr7-117535389-G-A. GRCh37 (hg19) VCF-style: chr7-117175443-G-A.
Other names: short protein forms G241R.
Identifiers: ClinVar variation 54047 (VCV000054047.3), dbSNP rs397508789, ClinGen allele CA327636.